The following is an entry in ClinVar:

ClinVar aggregate classification (germline): Uncertain significance. Review status: criteria provided, multiple submitters, no conflicts (2 of 4 stars). 2 submissions from 2 submitters: Uncertain significance (2). Last evaluated 2022-08-30.

Conditions:
Hereditary nonpolyposis colorectal neoplasms. Identifiers: MedGen C0009405, MeSH D003123.
Hereditary cancer-predisposing syndrome. Also called: Hereditary neoplastic syndrome; Neoplastic Syndromes, Hereditary; Tumor predisposition; Hereditary Cancer Syndrome. Identifiers: Orphanet 140162, MedGen C0027672, MeSH D009386, MONDO:0015356.

Submissions (2):

Ambry Genetics
Classification: Uncertain significance for Hereditary cancer-predisposing syndrome. Last evaluated: 2022-08-30. Review status: criteria provided, single submitter. Criteria: Ambry Variant Classification Scheme 2023. Collection method: clinical testing. Allele origin: germline.
Comment: The p.W365G variant (also known as c.1093T>G), located in coding exon 4 of the MSH6 gene, results from a T to G substitution at nucleotide position 1093. The tryptophan at codon 365 is replaced by glycine, an amino acid with highly dissimilar properties. This amino acid position is highly conserved in available vertebrate species. In addition, this alteration is predicted to be deleterious by in silico analysis. Since supporting evidence is limited at this time, the clinical significance of this alteration remains unclear.

Labcorp Genetics (formerly Invitae), Labcorp
Classification: Uncertain significance for Hereditary nonpolyposis colorectal neoplasms. Last evaluated: 2020-01-29. Review status: criteria provided, single submitter. Criteria: Invitae Variant Classification Sherloc (09022015). Collection method: clinical testing. Allele origin: germline.
Comment: In summary, the available evidence is currently insufficient to determine the role of this variant in disease. Therefore, it has been classified as a Variant of Uncertain Significance. Algorithms developed to predict the effect of missense changes on protein structure and function (SIFT, PolyPhen-2, Align-GVGD) all suggest that this variant is likely to be disruptive, but these predictions have not been confirmed by published functional studies and their clinical significance is uncertain. This variant has not been reported in the literature in individuals with MSH6-related conditions. This variant is not present in population databases (ExAC no frequency). This sequence change replaces tryptophan with glycine at codon 365 of the MSH6 protein (p.Trp365Gly). The tryptophan residue is moderately conserved and there is a large physicochemical difference between tryptophan and glycine.

NM_000179.3(MSH6):c.1093T>G (p.Trp365Gly)

Gene: MSH6 (mutS homolog 6; plus strand). Cytogenetic location: 2p16.3.
Variant type: single nucleotide variant.
Coding change: c.1093T>G on transcript NM_000179.3 (MANE Select); coding-DNA position 1093, T replaced by G.
Protein change: p.Trp365Gly; replaces tryptophan 365 with glycine.
Molecular consequence: missense variant.
Genome position (GRCh38, 1-based): chr2:47,799,076, T>G. VCF-style: chr2-47799076-T-G. GRCh37 (hg19) VCF-style: chr2-48026215-T-G.
Other names: c.703T>G, p.Trp235Gly (NM_001281492.2); c.187T>G, p.Trp63Gly (NM_001281493.2, NM_001281494.2); short protein forms W365G, W63G, W235G.
Identifiers: ClinVar variation 836695 (VCV000836695.13), dbSNP rs752628520, ClinGen allele CA346741868.